The following is an entry in ClinVar:

ClinVar aggregate classification (germline): Uncertain significance. Review status: criteria provided, multiple submitters, no conflicts (2 of 4 stars). 2 submissions from 2 submitters: Uncertain significance (2). Last evaluated 2025-08-22.

Conditions:
Inborn genetic diseases. Identifiers: MedGen C0950123, MeSH D030342.

gnomAD v4.1: 34 of 1,511,730 alleles (0.0022%); highest among the groups gnomAD compares: Admixed American, 0.0041%; no homozygotes.

Submissions (2):

Ambry Genetics
Classification: Uncertain significance for Inborn genetic diseases. Last evaluated: 2025-08-22. Review status: criteria provided, single submitter. Criteria: Ambry Variant Classification Scheme 2023. Collection method: clinical testing. Allele origin: germline.

Labcorp Genetics (formerly Invitae), Labcorp
Classification: Uncertain significance. Last evaluated: 2023-06-19. Review status: criteria provided, single submitter. Criteria: Invitae Variant Classification Sherloc (09022015). Collection method: clinical testing. Allele origin: germline.
Comment: ClinVar contains an entry for this variant (Variation ID: 1935682). This variant has not been reported in the literature in individuals affected with OBSL1-related conditions. The frequency data for this variant in the population databases is considered unreliable, as metrics indicate poor data quality at this position in the gnomAD database. This sequence change replaces arginine, which is basic and polar, with histidine, which is basic and polar, at codon 1348 of the OBSL1 protein (p.Arg1348His). An algorithm developed to predict the effect of missense changes on protein structure and function (PolyPhen-2) suggests that this variant is likely to be disruptive. In summary, the available evidence is currently insufficient to determine the role of this variant in disease. Therefore, it has been classified as a Variant of Uncertain Significance.

NM_015311.3(OBSL1):c.4043G>A (p.Arg1348His)

Gene: OBSL1 (obscurin like cytoskeletal adaptor 1; minus strand). Cytogenetic location: 2q35.
Variant type: single nucleotide variant.
Coding change: c.4043G>A on transcript NM_015311.3 (MANE Select); coding-DNA position 4043, G replaced by A.
Protein change: p.Arg1348His; replaces arginine 1348 with histidine.
Molecular consequence: missense variant.
Genome position (GRCh38, 1-based): chr2:219,557,366, C>T on the plus strand (G>A on the coding strand, the complement: OBSL1 is on the minus strand). VCF-style: chr2-219557366-C-T. GRCh37 (hg19) VCF-style: chr2-220422088-C-T.
Other names: c.4043G>A, p.Arg1348His (NM_001173431.2); c.4043G>A (NM_015311.2); short protein forms R1348H.
Identifiers: ClinVar variation 1935682 (VCV001935682.5), dbSNP rs866958379, ClinGen allele CA66027974.